The following is an entry in ClinVar:

NM_003482.4(KMT2D):c.1731G>A (p.Glu577=)

Gene: KMT2D (lysine methyltransferase 2D; minus strand). Cytogenetic location: 12q13.12.
Variant type: single nucleotide variant.
Coding change: c.1731G>A on transcript NM_003482.4 (MANE Select); coding-DNA position 1731, G replaced by A.
Protein change: p.Glu577=; no amino-acid change (glutamic acid 577 retained).
Molecular consequence: synonymous variant.
Genome position (GRCh38, 1-based): chr12:49,051,952, C>T on the plus strand (G>A on the coding strand, the complement: KMT2D is on the minus strand). VCF-style: chr12-49051952-C-T. GRCh37 (hg19) VCF-style: chr12-49445735-C-T.
Identifiers: ClinVar variation 2642965 (VCV002642965.24), dbSNP rs1938076610, ClinGen allele CA479714528.

ClinVar aggregate classification (germline): Likely benign (1 of 4 stars; one submission).

Allele frequency attached by ClinVar (database versions not stated): gnomAD exomes below 0.00001; TOPMed below 0.00001.
gnomAD v4.1: 3 of 1,613,458 alleles (0.00019%); highest among the groups gnomAD compares: Non-Finnish European, 0.00017%; no homozygotes.

Submission:

CeGaT Center for Human Genetics Tuebingen
Classification: Likely benign. Last evaluated: 2023-08-01. Review status: criteria provided, single submitter. Criteria: CeGaT Center For Human Genetics Tuebingen Variant Classification Criteria Version 2. Collection method: clinical testing. Allele origin: germline. Affected: yes. Observed: 1 variant allele.
Comment: KMT2D: PM2:Supporting, BP4, BP7